The following is an entry in ClinVar:

NM_003998.4(NFKB1):c.2712G>A (p.Ser904=)

Gene: NFKB1 (nuclear factor kappa B subunit 1; plus strand). Cytogenetic location: 4q24.
Variant type: single nucleotide variant.
Coding change: c.2712G>A on transcript NM_003998.4 (MANE Select); coding-DNA position 2712, G replaced by A.
Protein change: p.Ser904=; no amino-acid change (serine 904 retained).
Molecular consequence: synonymous variant.
Genome position (GRCh38, 1-based): chr4:102,613,544, G>A. VCF-style: chr4-102613544-G-A. GRCh37 (hg19) VCF-style: chr4-103534701-G-A.
Other names: c.2709G>A, p.Ser903= (NM_001165412.2, NM_001319226.2).
Identifiers: ClinVar variation 787173 (VCV000787173.29), dbSNP rs4648119, ClinGen allele CA3026504.

ClinVar aggregate classification (germline): Likely benign. Review status: criteria provided, multiple submitters, no conflicts (2 of 4 stars). 3 submissions from 3 submitters: Likely benign (3). Last evaluated 2026-08-01.

Allele frequency attached by ClinVar (database versions not stated): ExAC 0.00038; gnomAD 0.00047 and 0.00048; TOPMed 0.00049; gnomAD exomes 0.00051; ESP Exome Variant Server 0.00077.
gnomAD v4.1: 1,670 of 1,613,400 alleles (0.1%); highest among the groups gnomAD compares: Non-Finnish European, 0.13%; 2 homozygotes.

Submissions (3):

CeGaT Center for Human Genetics Tuebingen
Classification: Likely benign. Last evaluated: 2026-08-01. Review status: criteria provided, single submitter. Criteria: CeGaT Center For Human Genetics Tuebingen Variant Classification Criteria Version 2. Collection method: clinical testing. Allele origin: germline. Affected: yes. Observed: 4 variant alleles.
Comment: NFKB1: BP4, BP7, BS1

Labcorp Genetics (formerly Invitae), Labcorp
Classification: Likely benign. Last evaluated: 2026-02-01. Review status: criteria provided, single submitter. Criteria: Invitae Variant Classification Sherloc (09022015). Collection method: clinical testing. Allele origin: germline.

Blueprint Genetics
Classification: Likely benign. Last evaluated: 2024-09-24. Review status: criteria provided, single submitter. Criteria: ACMG Guidelines, 2015. Collection method: clinical testing. Allele origin: germline.